The following is an entry in ClinVar:

NM_000018.4(ACADVL):c.1259T>C (p.Ile420Thr)

Gene: ACADVL (acyl-CoA dehydrogenase very long chain; plus strand). Cytogenetic location: 17p13.1.
Variant type: single nucleotide variant.
Coding change: c.1259T>C on transcript NM_000018.4 (MANE Select); coding-DNA position 1259, T replaced by C.
Protein change: p.Ile420Thr; replaces isoleucine 420 with threonine.
Molecular consequence: missense variant.
Genome position (GRCh38, 1-based): chr17:7,223,720, T>C. VCF-style: chr17-7223720-T-C. GRCh37 (hg19) VCF-style: chr17-7127039-T-C.
Other names: c.1193T>C, p.Ile398Thr (NM_001033859.3); c.1328T>C, p.Ile443Thr (NM_001270447.2); c.1031T>C, p.Ile344Thr (NM_001270448.2); short protein forms I344T, I443T, I398T, I420T.
Identifiers: ClinVar variation 4211546 (VCV004211546.1).

ClinVar aggregate classification (germline): Uncertain significance (1 of 4 stars; one submission).

Conditions:
Inborn genetic diseases. Identifiers: MedGen C0950123, MeSH D030342.

Submission:

Ambry Genetics
Classification: Uncertain significance for Inborn genetic diseases. Last evaluated: 2025-07-28. Review status: criteria provided, single submitter. Criteria: Ambry Variant Classification Scheme 2023. Collection method: clinical testing. Allele origin: germline.
Comment: The p.I420T variant (also known as c.1259T>C), located in coding exon 12 of the ACADVL gene, results from a T to C substitution at nucleotide position 1259. The isoleucine at codon 420 is replaced by threonine, an amino acid with similar properties. This amino acid position is conserved. In addition, this alteration is predicted to be deleterious by in silico analysis. Based on the available evidence, the clinical significance of this variant remains unclear.